The following is an entry in ClinVar:

ClinVar aggregate classification (germline): Uncertain significance (1 of 4 stars; one submission).

Conditions:
Inborn genetic diseases. Identifiers: MedGen C0950123, MeSH D030342.

gnomAD v4.1: 1 of 1,614,186 alleles (0.000062%); highest among the groups gnomAD compares: Middle Eastern, 0.016%; no homozygotes.

Submission:

Ambry Genetics
Classification: Uncertain significance for Inborn genetic diseases. Last evaluated: 2025-11-13. Review status: criteria provided, single submitter. Criteria: Ambry Variant Classification Scheme 2023. Collection method: clinical testing. Allele origin: germline.
Comment: The p.T786I variant (also known as c.2357C>T), located in coding exon 12 of the BMPR2 gene, results from a C to T substitution at nucleotide position 2357. The threonine at codon 786 is replaced by isoleucine, an amino acid with similar properties. This amino acid position is conserved. In addition, the in silico prediction for this alteration is inconclusive. Based on the available evidence, the clinical significance of this variant remains unclear.

NM_001204.7(BMPR2):c.2357C>T (p.Thr786Ile)

Gene: BMPR2 (bone morphogenetic protein receptor type 2; plus strand). Cytogenetic location: 2q33.2.
Variant type: single nucleotide variant.
Coding change: c.2357C>T on transcript NM_001204.7 (MANE Select); coding-DNA position 2357, C replaced by T.
Protein change: p.Thr786Ile; replaces threonine 786 with isoleucine.
Molecular consequence: missense variant.
Genome position (GRCh38, 1-based): chr2:202,556,022, C>T. VCF-style: chr2-202556022-C-T. GRCh37 (hg19) VCF-style: chr2-203420745-C-T.
Other names: short protein forms T786I.
Identifiers: ClinVar variation 4597710 (VCV004597710.1).
Genomic context (GRCh38, chr2:202,556,022, plus strand): 5'-CAAAAGAGCCCCGGCTAAAATTTGGCAGCAAGCACAAATCAAACTTGAAACAAGTCGAAA[C>T]TGGAGTTGCCAAGATGAATACAATCAATGCAGCAGAACCTCATGTGGTGACAGTCACCAT-3'
Protein context (NP_001195.2, residues 776-796): KHKSNLKQVE[Thr786Ile]GVAKMNTINA